The following is an entry in ClinVar:

ClinVar aggregate classification (germline): Uncertain significance (1 of 4 stars; one submission).

Submission:

GeneDx
Classification: Uncertain significance. Last evaluated: 2025-02-21. Review status: criteria provided, single submitter. Criteria: GeneDx Variant Classification Process June 2021. Collection method: clinical testing. Allele origin: germline. Affected: yes.
Comment: Not observed at significant frequency in large population cohorts (gnomAD); In silico analysis indicates that this variant does not alter splicing; Has not been previously published as pathogenic or benign to our knowledge

NM_022489.4(INF2):c.2442C>T (p.Asp814=)

Gene: INF2 (inverted formin 2; plus strand). Cytogenetic location: 14q32.33.
Variant type: single nucleotide variant.
Coding change: c.2442C>T on transcript NM_022489.4 (MANE Select); coding-DNA position 2442, C replaced by T.
Protein change: p.Asp814=; no amino-acid change (aspartic acid 814 retained).
Molecular consequence: synonymous variant. On other transcripts: non-coding transcript variant (1).
Genome position (GRCh38, 1-based): chr14:104,711,652, C>T. VCF-style: chr14-104711652-C-T. GRCh37 (hg19) VCF-style: chr14-105177989-C-T.
Other names: c.2442C>T, p.Asp814= (NM_001031714.4, NM_001426862.1, NM_001426863.1 and 2 more transcripts).
Identifiers: ClinVar variation 4076803 (VCV004076803.1).